The following is an entry in ClinVar:

NM_014994.3(MAPKBP1):c.3773T>C (p.Val1258Ala)

Gene: MAPKBP1 (mitogen-activated protein kinase binding protein 1; plus strand). Cytogenetic location: 15q15.1.
Variant type: single nucleotide variant.
Coding change: c.3773T>C on transcript NM_014994.3 (MANE Select); coding-DNA position 3773, T replaced by C.
Protein change: p.Val1258Ala; replaces valine 1258 with alanine.
Molecular consequence: missense variant. On other transcripts: non-coding transcript variant (2), intron variant (1).
Genome position (GRCh38, 1-based): chr15:41,823,621, T>C. VCF-style: chr15-41823621-T-C. GRCh37 (hg19) VCF-style: chr15-42115819-T-C.
Other names: c.3791T>C, p.Val1264Ala (NM_001128608.2); c.3382+615T>C (NM_001265611.2); c.3791T>C (NM_001128608.1); short protein forms V1264A, V1258A.
Identifiers: ClinVar variation 2196849 (VCV002196849.4), dbSNP rs764618391, ClinGen allele CA7498666.
Genomic context (GRCh38, chr15:41,823,621, plus strand): 5'-CTCACTCCTATCAGAACCCCACCACCAGTTCCATGGCCAAGATATCCCGCAGTATCTCTG[T>C]TGGGGAGAACCTGGGCCTGGTGGCTGAACCTCAAGCTCATGCCCCCATCCGAGTCTCACC-3'
Protein context (NP_055809.2, residues 1248-1268): SMAKISRSIS[Val1258Ala]GENLGLVAEP

ClinVar aggregate classification (germline): Uncertain significance. Review status: criteria provided, multiple submitters, no conflicts (2 of 4 stars). 2 submissions from 2 submitters: Uncertain significance (2). Last evaluated 2025-06-12.

Conditions:
Inborn genetic diseases. Identifiers: MedGen C0950123, MeSH D030342.

Allele frequency attached by ClinVar (database versions not stated): ExAC 0.00002; gnomAD exomes 0.00003; gnomAD 0.00005; TOPMed 0.00005.
gnomAD v4.1: 59 of 1,613,986 alleles (0.0037%); highest among the groups gnomAD compares: Admixed American, 0.018%; no homozygotes.

Submissions (2):

Labcorp Genetics (formerly Invitae), Labcorp
Classification: Uncertain significance. Last evaluated: 2025-06-12. Review status: criteria provided, single submitter. Criteria: Invitae Variant Classification Sherloc (09022015). Collection method: clinical testing. Allele origin: germline.
Comment: This sequence change replaces valine, which is neutral and non-polar, with alanine, which is neutral and non-polar, at codon 1264 of the MAPKBP1 protein (p.Val1264Ala). This variant is present in population databases (rs764618391, gnomAD 0.009%). This variant has not been reported in the literature in individuals affected with MAPKBP1-related conditions. ClinVar contains an entry for this variant (Variation ID: 2196849). An algorithm developed to predict the effect of missense changes on protein structure and function (PolyPhen-2) suggests that this variant is likely to be tolerated. In summary, the available evidence is currently insufficient to determine the role of this variant in disease. Therefore, it has been classified as a Variant of Uncertain Significance.

Ambry Genetics
Classification: Uncertain significance for Inborn genetic diseases. Last evaluated: 2024-09-26. Review status: criteria provided, single submitter. Criteria: Ambry Variant Classification Scheme 2023. Collection method: clinical testing. Allele origin: germline.